The following is an entry in ClinVar:

NM_000282.4(PCCA):c.1846-273A>G

Gene: PCCA (propionyl-CoA carboxylase subunit alpha; plus strand). Cytogenetic location: 13q32.3.
Variant type: single nucleotide variant.
Coding change: c.1846-273A>G on transcript NM_000282.4 (MANE Select); 273 bases into the intron before coding-DNA position 1846, A replaced by G.
Molecular consequence: intron variant.
Genome position (GRCh38, 1-based): chr13:100,448,979, A>G. VCF-style: chr13-100448979-A-G. GRCh37 (hg19) VCF-style: chr13-101101233-A-G.
Other names: c.1846-273A>G (NM_001178004.2, NM_001352609.2); c.1845+23248A>G (NM_001352605.2); c.1702-273A>G (NM_001352606.2); c.901-273A>G (NM_001352610.2); c.900+23248A>G (NM_001352611.2); c.757-273A>G (NM_001352612.2); c.1768-273A>G (NM_001127692.3, NM_001352607.2); c.1624-273A>G (NM_001352608.2).
Identifiers: ClinVar variation 674144 (VCV000674144.1), dbSNP rs139759394, ClinGen allele CA256003656.

ClinVar aggregate classification (germline): Likely benign (1 of 4 stars; one submission).

Allele frequency attached by ClinVar (database versions not stated): gnomAD 0.00590 and 0.00626; TOPMed 0.00645; 1000 Genomes Project 0.00819; 1000 Genomes Project 30x 0.00921.
gnomAD v4.1: 887 of 152,290 alleles (0.58%); highest among the groups gnomAD compares: African/African-American, 2%; 7 homozygotes.

Submission:

GeneDx
Classification: Likely benign. Last evaluated: 2018-06-19. Review status: criteria provided, single submitter. Criteria: GeneDx Variant Classification (06012015). Collection method: clinical testing. Allele origin: germline. Affected: yes.
Comment: This variant is considered likely benign or benign based on one or more of the following criteria: it is a conservative change, it occurs at a poorly conserved position in the protein, it is predicted to be benign by multiple in silico algorithms, and/or has population frequency not consistent with disease.